The following is an entry in ClinVar:

ClinVar aggregate classification (germline): Uncertain significance (1 of 4 stars; one submission).

Conditions:
Long QT syndrome (LQTS). Identifiers: MedGen C0023976, MeSH D008133, MONDO:0002442. Disease mechanism: loss of function. Inheritance: Various modes of inheritance.

Allele frequency attached by ClinVar (database versions not stated): gnomAD exomes below 0.00001.
gnomAD v4.1: 1 of 1,613,530 alleles (0.000062%); highest among the groups gnomAD compares: Non-Finnish European, 0.000085%; no homozygotes.

Submission:

Labcorp Genetics (formerly Invitae), Labcorp
Classification: Uncertain significance for Long QT syndrome. Last evaluated: 2017-09-29. Review status: criteria provided, single submitter. Criteria: Invitae Variant Classification Sherloc (09022015). Collection method: clinical testing. Allele origin: germline.
Comment: In summary, the available evidence is currently insufficient to determine the role of this variant in disease. Therefore, it has been classified as a Variant of Uncertain Significance. Algorithms developed to predict the effect of missense changes on protein structure and function (SIFT, PolyPhen-2, Align-GVGD) all suggest that this variant is likely to be tolerated, but these predictions have not been confirmed by published functional studies and their clinical significance is uncertain. This variant has not been reported in the literature in individuals with CACNA1C-related disease. This variant is not present in population databases (ExAC no frequency). This sequence change replaces glutamine with glutamic acid at codon 892 of the CACNA1C protein (p.Gln892Glu). The glutamine residue is weakly conserved and there is a small physicochemical difference between glutamine and glutamic acid.

NM_000719.7(CACNA1C):c.2674C>G (p.Gln892Glu)

Gene: CACNA1C (calcium voltage-gated channel subunit alpha1 C; plus strand). Cytogenetic location: 12p13.33.
Variant type: single nucleotide variant.
Coding change: c.2674C>G on transcript NM_000719.7 (MANE Select); coding-DNA position 2674, C replaced by G.
Protein change: p.Gln892Glu; replaces glutamine 892 with glutamic acid.
Molecular consequence: missense variant.
Genome position (GRCh38, 1-based): chr12:2,595,884, C>G. VCF-style: chr12-2595884-C-G. GRCh37 (hg19) VCF-style: chr12-2705050-C-G.
Other names: c.2674C>G, p.Gln892Glu (NM_001129827.2, NM_001129829.2, NM_001129830.3 and 18 more transcripts); c.2665C>G, p.Gln889Glu (NM_001129844.2); short protein forms Q892E, Q889E.
Identifiers: ClinVar variation 526927 (VCV000526927.9), dbSNP rs1555857966, ClinGen allele CA383372386.
Genomic context (GRCh38, chr12:2,595,884, plus strand): 5'-CCCCTTGTCTGCCTTGACTTGTCTCTCCTCCTGTCCCCTCTCCCGTACAGGTTTCGCCTC[C>G]AGTGCCACCGCATTGTCAATGACACGATCTTCACCAACCTGATCCTCTTCTTCATTCTGC-3'
Protein context (NP_000710.5, residues 882-902): IFSSNNRFRL[Gln892Glu]CHRIVNDTIF